The following is an entry in ClinVar:

NM_000384.3(APOB):c.2988_2994del (p.Gly997fs)

Gene: APOB (apolipoprotein B; minus strand). Cytogenetic location: 2p24.1.
Variant type: Deletion.
Coding change: c.2988_2994del on transcript NM_000384.3 (MANE Select); coding-DNA positions 2988 to 2994, 7 bases deleted (CGGGGAC; older notation c.2988_2994delCGGGGAC).
Protein change: p.Gly997fs; shifts the reading frame from glycine 997.
Molecular consequence: frameshift variant.
Genome position (GRCh38, 1-based): chr2:21,019,728-21,019,734, GTCCCCG deleted on the plus strand (CGGGGAC on the coding strand, the reverse complement: APOB is on the minus strand); deleting any 7 consecutive bases within chr2:21,019,728-21,019,737 gives the same sequence; the c. name uses the placement nearest the transcript's 3' end. VCF-style (leftmost placement, unchanged base first): chr2-21019727-TGTCCCCG-T. GRCh37 (hg19) VCF-style: chr2-21242599-TGTCCCCG-T.
Other names: c.2988_2994delCGGGGAC (NM_000384.2); short protein forms G997fs.
Identifiers: ClinVar variation 374255 (VCV000374255.3), dbSNP rs1057518647, ClinGen allele CA16043653.

ClinVar aggregate classification (germline): Likely pathogenic. Review status: criteria provided, single submitter (1 of 4 stars). 2 submissions from 2 submitters: Likely pathogenic (1). 1 of the submissions does not count toward it. Last evaluated 2018-06-10.

Conditions:
Hypobetalipoproteinemia. Identifiers: Orphanet 31154, MedGen C0020597, MONDO:0017774.
Familial hypobetalipoproteinemia 1. Also called: APOB-Related Familial Hypobetalipoproteinemia; Hypobetalipoproteinemia, normotriglyceridemic; Acanthocytosis with hypobetalipoproteinemia. Identifiers: MedGen C4551990, MONDO:0014252, OMIM 615558.

Submissions (2):

Rady Children's Institute for Genomic Medicine, Rady Children's Hospital San Diego
Classification: Likely pathogenic for Hypobetalipoproteinemia. Last evaluated: 2018-06-10. Review status: criteria provided, single submitter. Criteria: ACMG Guidelines, 2015. Collection method: clinical testing. Allele origin: germline. Affected: yes. Observed: 1 variant allele.
Comment: This frameshifting variant in exon 19 of 29 introduces a premature stop codon and is therefore predicted to result in loss of normal protein function. This variant has been previously detected in a patient with possible hypobetalipoproteinemia (PMID: 27959697) and reported by a clinical lab as pathogenic (ClinVar: SCV000328706). It is absent from the ExAC and gnomAD population databases and thus is presumed to be rare. Based on the available evidence, the c.2988_2994delCGGGGAC (p.Gly997ProfsTer3) variant is classified as likely pathogenic.

Baylor Genetics
Classification: Pathogenic for Familial hypobetalipoproteinemia 1. Last evaluated: 2014-12-17. Review status: no assertion criteria provided. Collection method: clinical testing. Allele origin: paternal. Inheritance: Autosomal dominant inheritance. Affected: yes. Observed: 1 variant allele, 1 heterozygote. Not counted in ClinVar's aggregate classification.
Comment: Most cases of familial hypobetalipoproteinemia (FHBL1) result from nonsense mutations in the APOB gene that lead to a premature stop codon, which generate prematurely truncated apo B protein products (PubMed:21981844).